The following is an entry in ClinVar:

ClinVar aggregate classification (germline): Likely benign. Review status: criteria provided, multiple submitters, no conflicts (2 of 4 stars). 3 submissions from 3 submitters: Likely benign (3). Last evaluated 2025-07-14.

Conditions:
Anemia, congenital dyserythropoietic, type 1a (CDAN1A). Also called: DYSERYTHROPOIETIC ANEMIA, CONGENITAL, TYPE Ia; CDAN1-Related Congenital Dyserythropoietic Anemia. Identifiers: MedGen C5574667, MONDO:0009135, OMIM 224120.

Allele frequency attached by ClinVar (database versions not stated): ExAC 0.00010; gnomAD exomes 0.00011; 1000 Genomes Project 30x 0.00016; 1000 Genomes Project 0.00020; gnomAD 0.00027 and 0.00031; TOPMed 0.00032; ESP Exome Variant Server 0.00054.
gnomAD v4.1: 209 of 1,613,868 alleles (0.013%); highest among the groups gnomAD compares: African/African-American, 0.1%; no homozygotes.

Submissions (3):

Labcorp Genetics (formerly Invitae), Labcorp
Classification: Likely benign. Last evaluated: 2025-07-14. Review status: criteria provided, single submitter. Criteria: Invitae Variant Classification Sherloc (09022015). Collection method: clinical testing. Allele origin: germline.

ARUP Laboratories, Molecular Genetics and Genomics, ARUP Laboratories
Classification: Likely benign for Anemia, congenital dyserythropoietic, type 1a. Last evaluated: 2025-04-21. Review status: criteria provided, single submitter. Criteria: ARUP Molecular Germline Variant Investigation Process 2024. Collection method: clinical testing. Allele origin: germline.

CeGaT Center for Human Genetics Tuebingen
Classification: Likely benign. Last evaluated: 2022-08-01. Review status: criteria provided, single submitter. Criteria: CeGaT Center For Human Genetics Tuebingen Variant Classification Criteria Version 2. Collection method: clinical testing. Allele origin: germline. Affected: yes. Observed: 1 variant allele.
Comment: CDAN1: BP4, BP7

NM_138477.4(CDAN1):c.2076C>T (p.Thr692=)

Gene: CDAN1 (codanin 1; minus strand). Cytogenetic location: 15q15.2.
Variant type: single nucleotide variant.
Coding change: c.2076C>T on transcript NM_138477.4 (MANE Select); coding-DNA position 2076, C replaced by T.
Protein change: p.Thr692=; no amino-acid change (threonine 692 retained).
Molecular consequence: synonymous variant.
Genome position (GRCh38, 1-based): chr15:42,730,696, G>A on the plus strand (C>T on the coding strand, the complement: CDAN1 is on the minus strand). VCF-style: chr15-42730696-G-A. GRCh37 (hg19) VCF-style: chr15-43022894-G-A.
Identifiers: ClinVar variation 740412 (VCV000740412.32), dbSNP rs143566164, ClinGen allele CA7515825.
Genomic context (GRCh38, chr15:42,730,696, plus strand): 5'-ATATTCCAGCAAGGGAACAACATGGTCAGCAAAGGAGAGAAACTCCACCAGCCAGGGCAC[G>A]GTGAGCACCGCCCGGCGGGCCTGCAGCCCTCGCTGCAGCAGAGTCCGCACATCCAGGACC-3'
Protein context (NP_612486.2, residues 682-702): RGLQARRAVL[Thr692=]VPWLVEFLSF